The following is an entry in ClinVar:

ClinVar aggregate classification (germline): Uncertain significance (1 of 4 stars; one submission).

Conditions:
Leigh syndrome (NULS). Also called: Leigh's necrotizing encephalopathy; Leigh's disease; Leigh Syndrome (mtDNA deletion); Leigh Disease; Subacute necrotizing encephalopathy; Necrotizing encephalopathy infantile subacute of Leigh. Identifiers: Orphanet 506, MedGen C2931891, MONDO:0009723, OMIM 256000.

Submission:

Wong Mito Lab, Molecular and Human Genetics, Baylor College of Medicine
Classification: Uncertain significance for Leigh syndrome. Last evaluated: 2019-10-17. Review status: criteria provided, single submitter. Criteria: Modified ACMG Guidelines (Unpublished). Collection method: clinical testing. Allele origin: germline.
Comment: The NC_012920.1:m.8135T>C (YP_003024029.1:p.Phe184Leu) variant in MTCO2 gene is interpretated to be a Uncertain Significance variant based on the modified ACMG guidelines (unpublished). This variant meets the following evidence codes: PP6, PP7

NC_012920.1(MT-CO2):m.8135T>C

Gene: MT-CO2 (mitochondrially encoded cytochrome c oxidase II; plus strand).
Variant type: single nucleotide variant.
Genome position: chrM-8135-T-C.
Identifiers: ClinVar variation 692822 (VCV000692822.1), dbSNP rs1603221304, ClinGen allele CA414795177.